The following is an entry in ClinVar:

NC_000011.9:g.(?_108093770)_(108114855_?)del

Gene: ATM (ATM serine/threonine kinase; plus strand). Cytogenetic location: 11q22.3.
Variant type: Deletion.
Identifiers: ClinVar variation 1071691 (VCV001071691.5).

ClinVar aggregate classification (germline): Pathogenic (1 of 4 stars; one submission).

Conditions:
Ataxia-telangiectasia syndrome (AT). Also called: LOUIS-BAR SYNDROME; Ataxia-telangiectasia, complementation group D; AT, COMPLEMENTATION GROUP C; Cerebello-oculocutaneous telangiectasia; Immunodeficiency with ataxia telangiectasia; ATAXIA-TELANGIECTASIA, COMPLEMENTATION GROUP A. Identifiers: Orphanet 100, MedGen C0004135, MONDO:0008840, OMIM 208900.

Submission:

Labcorp Genetics (formerly Invitae), Labcorp
Classification: Pathogenic for Ataxia-telangiectasia syndrome. Last evaluated: 2020-10-06. Review status: criteria provided, single submitter. Criteria: Invitae Variant Classification Sherloc (09022015). Collection method: clinical testing. Allele origin: germline.
Comment: For these reasons, this variant has been classified as Pathogenic. Loss-of-function variants in ATM are known to be pathogenic (PMID: 23807571, 25614872). This variant has not been reported in the literature in individuals with ATM-related conditions. This variant is a gross deletion of the genomic region encompassing exon(s) 1-6 of the ATM gene, which includes the initiator codon. The 5' end of this event is unknown as it extends beyond the assayed region for this gene and therefore may encompass additional genes. The 3' boundary is likely confined to intron 6 of the ATM gene. This is expected to result in an absent or disrupted protein product.

Literature cited by the submitters: PubMed 23807571; PubMed 25614872.